The following is an entry in ClinVar:

NM_002354.3(EPCAM):c.452A>G (p.Lys151Arg)

Gene: EPCAM (epithelial cell adhesion molecule; plus strand). Cytogenetic location: 2p21.
Variant type: single nucleotide variant.
Coding change: c.452A>G on transcript NM_002354.3 (MANE Select); coding-DNA position 452, A replaced by G.
Protein change: p.Lys151Arg; replaces lysine 151 with arginine.
Molecular consequence: missense variant.
Genome position (GRCh38, 1-based): chr2:47,375,260, A>G. VCF-style: chr2-47375260-A-G. GRCh37 (hg19) VCF-style: chr2-47602399-A-G.
Other names: short protein forms K151R.
Identifiers: ClinVar variation 1741256 (VCV001741256.2), dbSNP rs2465460623, ClinGen allele CA346723586.

ClinVar aggregate classification (germline): Uncertain significance (1 of 4 stars; one submission).

Conditions:
Hereditary cancer-predisposing syndrome. Also called: Hereditary Cancer Syndrome; Hereditary neoplastic syndrome; Neoplastic Syndromes, Hereditary; Tumor predisposition. Identifiers: Orphanet 140162, MedGen C0027672, MeSH D009386, MONDO:0015356.

Submission:

Ambry Genetics
Classification: Uncertain significance for Hereditary cancer-predisposing syndrome. Last evaluated: 2022-08-01. Review status: criteria provided, single submitter. Criteria: Ambry Variant Classification Scheme 2023. Collection method: clinical testing. Allele origin: germline.
Comment: The p.K151R variant (also known as c.452A>G), located in coding exon 4 of the EPCAM gene, results from an A to G substitution at nucleotide position 452. The lysine at codon 151 is replaced by arginine, an amino acid with highly similar properties. This amino acid position is conserved. In addition, this alteration is predicted to be tolerated by in silico analysis. Since supporting evidence is limited at this time, the clinical significance of this alteration remains unclear.